The following is an entry in ClinVar:

ClinVar aggregate classification (germline): Uncertain significance (1 of 4 stars; one submission).

Conditions:
Pierpont syndrome (PRPTS). Identifiers: Orphanet 487825, MedGen C1865644, MONDO:0011213, OMIM 602342.

Submission:

Labcorp Genetics (formerly Invitae), Labcorp
Classification: Uncertain significance for Pierpont syndrome. Last evaluated: 2024-11-15. Review status: criteria provided, single submitter. Criteria: Invitae Variant Classification Sherloc (09022015). Collection method: clinical testing. Allele origin: germline.
Comment: This sequence change falls in intron 3 of the TBL1XR1 gene. It does not directly change the encoded amino acid sequence of the TBL1XR1 protein. It affects a nucleotide within the consensus splice site. This variant is not present in population databases (gnomAD no frequency). This variant has not been reported in the literature in individuals affected with TBL1XR1-related conditions. ClinVar contains an entry for this variant (Variation ID: 1496629). Variants that disrupt the consensus splice site are a relatively common cause of aberrant splicing (PMID: 17576681, 9536098). Algorithms developed to predict the effect of sequence changes on RNA splicing suggest that this variant is not likely to affect RNA splicing. In summary, the available evidence is currently insufficient to determine the role of this variant in disease. Therefore, it has been classified as a Variant of Uncertain Significance.

Literature cited by the submitters: PubMed 17576681; PubMed 9536098.

NM_024665.7(TBL1XR1):c.59-3T>C

Gene: TBL1XR1 (TBL1X/Y related 1; minus strand). Cytogenetic location: 3q26.32.
Variant type: single nucleotide variant.
Coding change: c.59-3T>C on transcript NM_024665.7 (MANE Select); 3 bases into the intron before coding-DNA position 59, T replaced by C.
Molecular consequence: intron variant.
Genome position (GRCh38, 1-based): chr3:177,053,921, A>G on the plus strand (T>C on the coding strand, the complement: TBL1XR1 is on the minus strand). VCF-style: chr3-177053921-A-G. GRCh37 (hg19) VCF-style: chr3-176771709-A-G.
Other names: c.59-3T>C (NM_001374327.1, NM_001321194.3, NM_001321193.3 and 2 more transcripts); c.-203-3T>C (NM_001374330.1, NM_001321195.3).
Identifiers: ClinVar variation 1496629 (VCV001496629.6), dbSNP rs2108504149, ClinGen allele CA2573136769.